The following is an entry in ClinVar:

NM_025150.5(TARS2):c.1045T>G (p.Ser349Ala)

Gene: TARS2 (threonyl-tRNA synthetase 2, mitochondrial; plus strand). Cytogenetic location: 1q21.2.
Variant type: single nucleotide variant.
Coding change: c.1045T>G on transcript NM_025150.5 (MANE Select); coding-DNA position 1045, T replaced by G.
Protein change: p.Ser349Ala; replaces serine 349 with alanine.
Molecular consequence: missense variant. On other transcripts: non-coding transcript variant (2).
Genome position (GRCh38, 1-based): chr1:150,497,554, T>G. VCF-style: chr1-150497554-T-G. GRCh37 (hg19) VCF-style: chr1-150470030-T-G.
Other names: c.799T>G, p.Ser267Ala (NM_001271895.2); c.655T>G, p.Ser219Ala (NM_001271896.2); c.1045T>G (NM_025150.3); short protein forms S267A, S349A, S219A.
Identifiers: ClinVar variation 1896388 (VCV001896388.6), dbSNP rs112102180, ClinGen allele CA1076900.
Genomic context (GRCh38, chr1:150,497,554, plus strand): 5'-TACTCTGACCTTCCATGTCTGTACCCTCCTCTCCAGGCTGAGTATGCCCATCGTGGTTTC[T>G]CCGAGGTGAAAACTCCCACACTGTTTTCTACGAAGCTCTGGGAACAGTCAGGGCACTGGG-3'
Protein context (NP_079426.2, residues 339-359): IRAEYAHRGF[Ser349Ala]EVKTPTLFST

ClinVar aggregate classification (germline): Uncertain significance. Review status: criteria provided, multiple submitters, no conflicts (2 of 4 stars). 2 submissions from 2 submitters: Uncertain significance (2). Last evaluated 2025-05-04.

Conditions:
Inborn genetic diseases. Identifiers: MedGen C0950123, MeSH D030342.

Allele frequency attached by ClinVar (database versions not stated): gnomAD exomes below 0.00001; ExAC 0.00002; TOPMed 0.00004; gnomAD 0.00007.
gnomAD v4.1: 19 of 1,614,154 alleles (0.0012%); highest among the groups gnomAD compares: African/African-American, 0.02%; no homozygotes.

Submissions (2):

Ambry Genetics
Classification: Uncertain significance for Inborn genetic diseases. Last evaluated: 2025-05-04. Review status: criteria provided, single submitter. Criteria: Ambry Variant Classification Scheme 2023. Collection method: clinical testing. Allele origin: germline.

Labcorp Genetics (formerly Invitae), Labcorp
Classification: Uncertain significance. Last evaluated: 2024-08-29. Review status: criteria provided, single submitter. Criteria: Invitae Variant Classification Sherloc (09022015). Collection method: clinical testing. Allele origin: germline.
Comment: This sequence change replaces serine, which is neutral and polar, with alanine, which is neutral and non-polar, at codon 349 of the TARS2 protein (p.Ser349Ala). This variant is present in population databases (rs112102180, gnomAD 0.03%). This variant has not been reported in the literature in individuals affected with TARS2-related conditions. ClinVar contains an entry for this variant (Variation ID: 1896388). Invitae Evidence Modeling of protein sequence and biophysical properties (such as structural, functional, and spatial information, amino acid conservation, physicochemical variation, residue mobility, and thermodynamic stability) indicates that this missense variant is not expected to disrupt TARS2 protein function with a negative predictive value of 80%. In summary, the available evidence is currently insufficient to determine the role of this variant in disease. Therefore, it has been classified as a Variant of Uncertain Significance.